The following is an entry in ClinVar:

ClinVar aggregate classification (germline): Uncertain significance. Review status: criteria provided, multiple submitters, no conflicts (2 of 4 stars). 2 submissions from 2 submitters: Uncertain significance (2). Last evaluated 2021-10-07.

Conditions:
Absence seizure. Also called: Absence epilepsy. Identifiers: Orphanet 1941, MedGen C0014553.
Myoclonic epilepsy, juvenile, susceptibility to, 1. Also called: Myoclonic Epilepsy, Juvenile, 1; EJM1. Identifiers: MedGen C1850778, MONDO:0020752, OMIM 254770.

Allele frequency attached by ClinVar (database versions not stated): TOPMed 0.00002; gnomAD 0.00005 and 0.00006; gnomAD exomes 0.00006 and 0.00011; ExAC 0.00008.

Submissions (2):

Fulgent Genetics
Classification: Uncertain significance for Myoclonic epilepsy, juvenile, susceptibility to, 1; Epilepsy, juvenile absence, susceptibility to, 1. Last evaluated: 2021-10-07. Review status: criteria provided, single submitter. Criteria: ACMG Guidelines, 2015. Collection method: clinical testing. Allele origin: unknown.

Labcorp Genetics (formerly Invitae), Labcorp
Classification: Uncertain significance for Myoclonic epilepsy, juvenile, susceptibility to, 1; Absence seizure. Last evaluated: 2020-07-21. Review status: criteria provided, single submitter. Criteria: Invitae Variant Classification Sherloc (09022015). Collection method: clinical testing. Allele origin: germline.
Comment: In summary, the available evidence is currently insufficient to determine the role of this variant in disease. Therefore, it has been classified as a Variant of Uncertain Significance. Algorithms developed to predict the effect of sequence changes on RNA splicing suggest that this variant may create or strengthen a splice site, but this prediction has not been confirmed by published transcriptional studies. This variant has not been reported in the literature in individuals with EFHC1-related conditions. This variant is present in population databases (rs201520866, ExAC 0.01%), and has an allele count higher than expected for a pathogenic variant (PMID: 28166811). This sequence change affects the initiator methionine of the EFHC1 mRNA. The next in-frame methionine is located at codon 109.

Literature cited by the submitters: PubMed 28166811 (cited by Labcorp Genetics (formerly Invitae), Labcorp).

NM_018100.4(EFHC1):c.1A>G (p.Met1Val)

Gene: EFHC1 (EF-hand domain containing 1; plus strand). Cytogenetic location: 6p12.2.
Variant type: single nucleotide variant.
Coding change: c.1A>G on transcript NM_018100.4 (MANE Select); coding-DNA position 1, A replaced by G.
Protein change: p.Met1Val; changes the start codon (methionine 1).
Molecular consequence: missense variant, initiator codon variant. On other transcripts: non-coding transcript variant (1).
Genome position (GRCh38, 1-based): chr6:52,420,411, A>G. VCF-style: chr6-52420411-A-G. GRCh37 (hg19) VCF-style: chr6-52285209-A-G.
Other names: short protein forms M1V.
Identifiers: ClinVar variation 1013951 (VCV001013951.12), dbSNP rs201520866, ClinGen allele CA3855625.